The following is an entry in ClinVar:

NM_007348.4(ATF6):c.1714C>G (p.Arg572Gly)

Gene: ATF6 (activating transcription factor 6; plus strand). Cytogenetic location: 1q23.3.
Variant type: single nucleotide variant.
Coding change: c.1714C>G on transcript NM_007348.4 (MANE Select); coding-DNA position 1714, C replaced by G.
Protein change: p.Arg572Gly; replaces arginine 572 with glycine.
Molecular consequence: missense variant.
Genome position (GRCh38, 1-based): chr1:161,863,307, C>G. VCF-style: chr1-161863307-C-G. GRCh37 (hg19) VCF-style: chr1-161833097-C-G.
Other names: short protein forms R572G.
Identifiers: ClinVar variation 860370 (VCV000860370.8), dbSNP rs760001414, ClinGen allele CA1214567.
Genomic context (GRCh38, chr1:161,863,307, plus strand): 5'-TATCAAGACTTTTTTGAAGCCATCCGCAGAAGGGGAGACACATTTTATGTTGTGTCATTT[C>G]GAAGGGTAAGTTCATCTTGAAAGAATAGAGCAAATATTTTTGAGTGCTTGCCGTACACAA-3'
Protein context (NP_031374.2, residues 562-582): RGDTFYVVSF[Arg572Gly]RDHLLLPATT

ClinVar aggregate classification (germline): Uncertain significance (1 of 4 stars; one submission).

Allele frequency attached by ClinVar (database versions not stated): TOPMed below 0.00001; ExAC 0.00001.
gnomAD v4.1: 10 of 1,602,908 alleles (0.00062%); highest among the groups gnomAD compares: Non-Finnish European, 0.00085%; no homozygotes.

Submission:

Labcorp Genetics (formerly Invitae), Labcorp
Classification: Uncertain significance. Last evaluated: 2024-10-22. Review status: criteria provided, single submitter. Criteria: Invitae Variant Classification Sherloc (09022015). Collection method: clinical testing. Allele origin: germline.
Comment: This sequence change replaces arginine, which is basic and polar, with glycine, which is neutral and non-polar, at codon 572 of the ATF6 protein (p.Arg572Gly). This variant is present in population databases (rs760001414, gnomAD 0.002%). This variant has not been reported in the literature in individuals affected with ATF6-related conditions. ClinVar contains an entry for this variant (Variation ID: 860370). Invitae Evidence Modeling of protein sequence and biophysical properties (such as structural, functional, and spatial information, amino acid conservation, physicochemical variation, residue mobility, and thermodynamic stability) indicates that this missense variant is expected to disrupt ATF6 protein function with a positive predictive value of 80%. In summary, the available evidence is currently insufficient to determine the role of this variant in disease. Therefore, it has been classified as a Variant of Uncertain Significance.